The following is an entry in ClinVar:

ClinVar aggregate classification (germline): Uncertain significance. Review status: criteria provided, multiple submitters, no conflicts (2 of 4 stars). 2 submissions from 2 submitters: Uncertain significance (2). Last evaluated 2025-10-05.

Conditions:
Colorectal cancer, hereditary nonpolyposis, type 7. Identifiers: Orphanet 144, MedGen C1858380, MONDO:0013725, OMIM 614385.

Submissions (2):

Ambry Genetics
Classification: Uncertain significance. Last evaluated: 2025-10-05. Review status: criteria provided, single submitter. Criteria: Ambry Variant Classification Scheme 2023. Collection method: clinical testing. Allele origin: germline.
Comment: The p.E48K variant (also known as c.142G>A), located in coding exon 1 of the MLH3 gene, results from a G to A substitution at nucleotide position 142. The glutamic acid at codon 48 is replaced by lysine, an amino acid with similar properties. This amino acid position is conserved. In addition, the in silico prediction for this alteration is inconclusive. Since supporting evidence is limited at this time, the clinical significance of this alteration remains unclear.

Labcorp Genetics (formerly Invitae), Labcorp
Classification: Uncertain significance for Colorectal cancer, hereditary nonpolyposis, type 7. Last evaluated: 2024-05-26. Review status: criteria provided, single submitter. Criteria: Invitae Variant Classification Sherloc (09022015). Collection method: clinical testing. Allele origin: germline.
Comment: This sequence change replaces glutamic acid, which is acidic and polar, with lysine, which is basic and polar, at codon 48 of the MLH3 protein (p.Glu48Lys). This variant is not present in population databases (gnomAD no frequency). This variant has not been reported in the literature in individuals affected with MLH3-related conditions. ClinVar contains an entry for this variant (Variation ID: 1772470). An algorithm developed to predict the effect of missense changes on protein structure and function (PolyPhen-2) suggests that this variant is likely to be disruptive. In summary, the available evidence is currently insufficient to determine the role of this variant in disease. Therefore, it has been classified as a Variant of Uncertain Significance.

NM_001040108.2(MLH3):c.142G>A (p.Glu48Lys)

Gene: MLH3 (mutL homolog 3; minus strand). Cytogenetic location: 14q24.3.
Variant type: single nucleotide variant.
Coding change: c.142G>A on transcript NM_001040108.2 (MANE Select); coding-DNA position 142, G replaced by A.
Protein change: p.Glu48Lys; replaces glutamic acid 48 with lysine.
Molecular consequence: missense variant.
Genome position (GRCh38, 1-based): chr14:75,049,514, C>T on the plus strand (G>A on the coding strand, the complement: MLH3 is on the minus strand). VCF-style: chr14-75049514-C-T. GRCh37 (hg19) VCF-style: chr14-75516217-C-T.
Other names: c.142G>A, p.Glu48Lys (NM_014381.3); short protein forms E48K.
Identifiers: ClinVar variation 1772470 (VCV001772470.5), dbSNP rs2503335964, ClinGen allele CA390451494.